The following is an entry in ClinVar:

NM_000057.4(BLM):c.4240T>C (p.Tyr1414His)

Gene: BLM (BLM RecQ like helicase; plus strand). Cytogenetic location: 15q26.1.
Variant type: single nucleotide variant.
Coding change: c.4240T>C on transcript NM_000057.4 (MANE Select); coding-DNA position 4240, T replaced by C.
Protein change: p.Tyr1414His; replaces tyrosine 1414 with histidine.
Molecular consequence: missense variant.
Genome position (GRCh38, 1-based): chr15:90,815,265, T>C. VCF-style: chr15-90815265-T-C. GRCh37 (hg19) VCF-style: chr15-91358495-T-C.
Other names: c.4240T>C, p.Tyr1414His (NM_001287246.2); c.3847T>C, p.Tyr1283His (NM_001287247.2); c.3115T>C, p.Tyr1039His (NM_001287248.2); c.4240T>C (LRG_20t1); short protein forms Y1414H, Y1039H, Y1283H.
Identifiers: ClinVar variation 454153 (VCV000454153.17), dbSNP rs753800694, ClinGen allele CA7739219.

ClinVar aggregate classification (germline): Uncertain significance. Review status: criteria provided, multiple submitters, no conflicts (2 of 4 stars). 4 submissions from 4 submitters: Uncertain significance (3). 1 of the submissions does not count toward it. Last evaluated 2025-02-02.

Conditions:
Bloom syndrome (BLM). Also called: Bloom-Torre-Machacek syndrome. Identifiers: Orphanet 125, MedGen C0005859, MONDO:0008876, OMIM 210900.
Microcephaly, growth restriction, and increased sister chromatid exchange 2. Identifiers: MedGen C4748176, MONDO:0020628, OMIM 618097.
Hereditary cancer-predisposing syndrome. Also called: Hereditary Cancer Syndrome; Tumor predisposition; Hereditary neoplastic syndrome; Neoplastic Syndromes, Hereditary. Identifiers: Orphanet 140162, MedGen C0027672, MeSH D009386, MONDO:0015356.

Allele frequency attached by ClinVar (database versions not stated): ExAC 0.00002; gnomAD exomes 0.00002 and 0.00004; gnomAD 0.00003; TOPMed 0.00005.
gnomAD v4.1: 62 of 1,614,040 alleles (0.0038%); highest among the groups gnomAD compares: Admixed American, 0.0083%; no homozygotes.

Submissions (4):

Labcorp Genetics (formerly Invitae), Labcorp
Classification: Uncertain significance for Bloom syndrome. Last evaluated: 2025-02-02. Review status: criteria provided, single submitter. Criteria: Invitae Variant Classification Sherloc (09022015). Collection method: clinical testing. Allele origin: germline.
Comment: This sequence change replaces tyrosine, which is neutral and polar, with histidine, which is basic and polar, at codon 1414 of the BLM protein (p.Tyr1414His). This variant is present in population databases (rs753800694, gnomAD 0.006%). This variant has not been reported in the literature in individuals affected with BLM-related conditions. ClinVar contains an entry for this variant (Variation ID: 454153). An algorithm developed to predict the effect of missense changes on protein structure and function (PolyPhen-2) suggests that this variant is likely to be disruptive. In summary, the available evidence is currently insufficient to determine the role of this variant in disease. Therefore, it has been classified as a Variant of Uncertain Significance.

Quest Diagnostics Nichols Institute San Juan Capistrano
Classification: Uncertain significance. Last evaluated: 2024-10-02. Review status: criteria provided, single submitter. Criteria: Quest Diagnostics criteria. Collection method: clinical testing. Allele origin: unknown.
Comment: The BLM c.4240T>C (p.Tyr1414His) variant has been reported in the published literature in an individual with prostate cancer (PMID: 29659569 (2018)). The frequency of this variant in the general population, 0.000016 (4/251452 chromosomes (Genome Aggregation Database)), is uninformative in the assessment of its pathogenicity. Analysis of this variant using bioinformatics tools for the prediction of the effect of amino acid changes on protein structure and function yielded conflicting predictions that this variant is benign or damaging. Based on the available information, we are unable to determine the clinical significance of this variant.

Ambry Genetics
Classification: Uncertain significance for Hereditary cancer-predisposing syndrome. Last evaluated: 2024-05-20. Review status: criteria provided, single submitter. Criteria: Ambry Variant Classification Scheme 2023. Collection method: clinical testing. Allele origin: germline.
Comment: The p.Y1414H variant (also known as c.4240T>C), located in coding exon 21 of the BLM gene, results from a T to C substitution at nucleotide position 4240. The tyrosine at codon 1414 is replaced by histidine, an amino acid with similar properties. This amino acid position is well conserved in available vertebrate species. In addition, this alteration is predicted to be tolerated by in silico analysis. Based on the available evidence, the clinical significance of this variant remains unclear.

Natera, Inc.
Classification: Uncertain significance for Bloom syndrome. Last evaluated: 2020-09-16. Review status: no assertion criteria provided. Collection method: clinical testing. Allele origin: germline. Not counted in ClinVar's aggregate classification.

Literature cited by the submitters: PubMed 29659569 (cited by Quest Diagnostics Nichols Institute San Juan Capistrano).